The following is an entry in ClinVar:

NM_000069.3(CACNA1S):c.848T>A (p.Leu283His)

Gene: CACNA1S (calcium voltage-gated channel subunit alpha1 S; minus strand). Cytogenetic location: 1q32.1.
Variant type: single nucleotide variant.
Coding change: c.848T>A on transcript NM_000069.3 (MANE Select); coding-DNA position 848, T replaced by A.
Protein change: p.Leu283His; replaces leucine 283 with histidine.
Molecular consequence: missense variant.
Genome position (GRCh38, 1-based): chr1:201,089,310, A>T on the plus strand (T>A on the coding strand, the complement: CACNA1S is on the minus strand). VCF-style: chr1-201089310-A-T. GRCh37 (hg19) VCF-style: chr1-201058438-A-T.
Other names: short protein forms L283H.
Identifiers: ClinVar variation 3070493 (VCV003070493.1), dbSNP rs1662143830, ClinGen allele CA344134876.

ClinVar aggregate classification (germline): Uncertain significance (1 of 4 stars; one submission).

Conditions:
Malignant hyperthermia, susceptibility to, 5 (MHS5). Also called: CACNA1S-Related Malignant Hyperthermia Susceptibility. Identifiers: Orphanet 423, MedGen C1866077, MONDO:0011163, OMIM 601887.

Allele frequency attached by ClinVar (database versions not stated): TOPMed 0.00001.
gnomAD v4.1: 1 of 1,614,122 alleles (0.000062%); no homozygotes.

Submission:

All of Us Research Program, National Institutes of Health
Classification: Uncertain significance for Malignant hyperthermia, susceptibility to, 5. Last evaluated: 2023-04-27. Review status: criteria provided, single submitter. Criteria: ACMG Guidelines, 2015. Collection method: clinical testing. Allele origin: germline. Inheritance: Autosomal dominant inheritance. Observed: 1 variant allele, 1 heterozygote.
Comment: This study involves interpretation of variants in research participants for the purpose of population health screening. Participant phenotype was not available at the time of variant classification. Additional details can be found in publication PMID: 35346344, PMCID: PMC8962531